The following is an entry in ClinVar:

ClinVar aggregate classification (germline): Uncertain significance (1 of 4 stars; one submission).

Conditions:
Neuropathy, hereditary sensory and autonomic, type 2A (HSAN2A). Also called: WNK1-Related HSAN2 (HSAN2A); ACROOSTEOLYSIS, NEUROGENIC; ACROOSTEOLYSIS, GIACCAI TYPE; MORVAN DISEASE; NEUROPATHY, CONGENITAL SENSORY; NEUROPATHY, HEREDITARY SENSORY RADICULAR, AUTOSOMAL RECESSIVE. Identifiers: Orphanet 970, MedGen C2752089, MONDO:0024309, OMIM 201300.
Generalized epilepsy with febrile seizures plus, type 7 (GEFSP7). Also called: GEFS+, TYPE 7. Identifiers: Orphanet 36387, MedGen C2751778, MONDO:0013470, OMIM 613863.

Submission:

Labcorp Genetics (formerly Invitae), Labcorp
Classification: Uncertain significance for Neuropathy, hereditary sensory and autonomic, type 2A; Generalized epilepsy with febrile seizures plus, type 7. Last evaluated: 2022-03-02. Review status: criteria provided, single submitter. Criteria: Invitae Variant Classification Sherloc (09022015). Collection method: clinical testing. Allele origin: germline.
Comment: This sequence change replaces threonine, which is neutral and polar, with isoleucine, which is neutral and non-polar, at codon 1393 of the SCN9A protein (p.Thr1393Ile). This variant is not present in population databases (gnomAD no frequency). In summary, the available evidence is currently insufficient to determine the role of this variant in disease. Therefore, it has been classified as a Variant of Uncertain Significance. Algorithms developed to predict the effect of missense changes on protein structure and function (SIFT, PolyPhen-2, Align-GVGD) all suggest that this variant is likely to be disruptive. This variant has not been reported in the literature in individuals affected with SCN9A-related conditions.

NM_001365536.1(SCN9A):c.4211C>T (p.Thr1404Ile)

Genes: SCN9A (sodium voltage-gated channel alpha subunit 9; minus strand), SCN1A-AS1 (SCN1A and SCN9A antisense RNA 1; plus strand). Cytogenetic location: 2q24.3.
Variant type: single nucleotide variant.
Coding change: c.4211C>T on transcript NM_001365536.1 (MANE Select); coding-DNA position 4211, C replaced by T.
Protein change: p.Thr1404Ile; replaces threonine 1404 with isoleucine.
Molecular consequence: missense variant.
Genome position (GRCh38, 1-based): chr2:166,227,719, G>A on the plus strand (C>T on the coding strand, the complement: SCN9A is on the minus strand). VCF-style: chr2-166227719-G-A. GRCh37 (hg19) VCF-style: chr2-167084229-G-A.
Other names: c.4178C>T, p.Thr1393Ile (NM_002977.4); short protein forms T1393I, T1404I.
Identifiers: ClinVar variation 1438448 (VCV001438448.6), dbSNP rs201880500, ClinGen allele CA59809702.